The following is an entry in ClinVar:

NM_007294.4(BRCA1):c.134+11A>T

Gene: BRCA1 (BRCA1 DNA repair associated; minus strand). Cytogenetic location: 17q21.31.
Variant type: single nucleotide variant.
Coding change: c.134+11A>T on transcript NM_007294.4 (MANE Select); 11 bases into the intron after coding-DNA position 134, A replaced by T.
Molecular consequence: intron variant.
Genome position (GRCh38, 1-based): chr17:43,115,715, T>A on the plus strand (A>T on the coding strand, the complement: BRCA1 is on the minus strand). VCF-style: chr17-43115715-T-A. GRCh37 (hg19) VCF-style: chr17-41267732-T-A.
Other names: c.134+11A>T (NM_001407603.1, NM_001408475.1, NM_001407875.1 and 191 more transcripts); c.80+8302A>T (NM_001408451.1); c.-55+8302A>T (NM_001407898.1, NM_001407881.1, NM_001407902.1); c.-8+8302A>T (NM_001407932.1, NM_001408464.1, NM_001407742.1 and 23 more transcripts); c.-55+11A>T (NM_001408509.1, NM_001408508.1, NM_001408491.1 and 52 more transcripts); c.-171+11A>T (NM_001408492.1, NM_001407889.1, NM_001407900.1); c.-124+11A>T (NM_001408468.1, NM_001407842.1, NM_001407749.1 and 13 more transcripts); c.-128+11A>T (NM_001407695.1, NM_001408465.1); and 10 more.
Identifiers: ClinVar variation 865163 (VCV000865163.3), dbSNP rs2055240251, ClinGen allele CA916080981.

Conditions:
Breast-ovarian cancer, familial, susceptibility to, 1 (BROVCA1). Also called: BRCA1 Hereditary Breast and Ovarian Cancer; OVARIAN CANCER, SUSCEPTIBILITY TO. Identifiers: Orphanet 145, MedGen C2676676, MONDO:0011450, OMIM 604370. Disease mechanism: loss of function.

Submission:

Brotman Baty Institute, University of Washington
No classification provided (evidence only). Condition: Breast-ovarian cancer, familial 1. Review status: no classification provided. Collection method: in vitro. Allele origin: not applicable. Functional consequence: functionally_normal.
ClinVar note: "not provided" was previously submitted as the classification for the variant. However, the classification appeared to be based only on an observation of functional data so it was converted to no classification on 2025-07-30.